The following is an entry in ClinVar:

ClinVar aggregate classification (germline): Conflicting classifications of pathogenicity. Review status: criteria provided, conflicting classifications (1 of 4 stars). 2 submissions from 2 submitters: Uncertain significance (1); Likely benign (1). Last evaluated 2025-12-18.

Conditions:
Hereditary cancer-predisposing syndrome. Also called: Neoplastic Syndromes, Hereditary; Tumor predisposition; Hereditary Cancer Syndrome; Hereditary neoplastic syndrome. Identifiers: Orphanet 140162, MedGen C0027672, MeSH D009386, MONDO:0015356.
Gorlin syndrome. Also called: Basal cell nevus syndrome; Nevoid Basal Cell Carcinoma Syndrome. Identifiers: Orphanet 377, MedGen C0004779, MONDO:0007187.

Allele frequency attached by ClinVar (database versions not stated): gnomAD exomes below 0.00001; ExAC 0.00001.
gnomAD v4.1: 1 of 1,614,060 alleles (0.000062%); highest among the groups gnomAD compares: Admixed American, 0.0017%; no homozygotes.

Submissions (2):

Ambry Genetics
Classification: Uncertain significance for Hereditary cancer-predisposing syndrome. Last evaluated: 2025-12-18. Review status: criteria provided, single submitter. Criteria: Ambry Variant Classification Scheme 2023. Collection method: clinical testing. Allele origin: germline.
Comment: The p.I565V variant (also known as c.1693A>G), located in coding exon 12 of the PTCH1 gene, results from an A to G substitution at nucleotide position 1693. The isoleucine at codon 565 is replaced by valine, an amino acid with highly similar properties. This amino acid position is conserved. In addition, the in silico prediction for this alteration is inconclusive. Since supporting evidence is limited at this time, the clinical significance of this alteration remains unclear.

Labcorp Genetics (formerly Invitae), Labcorp
Classification: Likely benign for Gorlin syndrome. Last evaluated: 2025-05-26. Review status: criteria provided, single submitter. Criteria: Invitae Variant Classification Sherloc (09022015). Collection method: clinical testing. Allele origin: germline.

NM_000264.5(PTCH1):c.1693A>G (p.Ile565Val)

Gene: PTCH1 (patched 1; minus strand). Cytogenetic location: 9q22.32.
Variant type: single nucleotide variant.
Coding change: c.1693A>G on transcript NM_000264.5 (MANE Select); coding-DNA position 1693, A replaced by G.
Protein change: p.Ile565Val; replaces isoleucine 565 with valine.
Molecular consequence: missense variant. On other transcripts: non-coding transcript variant (1).
Genome position (GRCh38, 1-based): chr9:95,476,069, T>C on the plus strand (A>G on the coding strand, the complement: PTCH1 is on the minus strand). VCF-style: chr9-95476069-T-C. GRCh37 (hg19) VCF-style: chr9-98238351-T-C.
Other names: c.1693A>G (NM_000264.3); c.1495A>G, p.Ile499Val (NM_001083602.3); c.1690A>G, p.Ile564Val (NM_001083603.3); c.1240A>G, p.Ile414Val (NM_001083604.3, NM_001083605.3, NM_001083606.3 and 1 more transcripts); c.1537A>G, p.Ile513Val (NM_001354918.2); short protein forms I414V, I499V, I564V, I513V, I565V.
Identifiers: ClinVar variation 1478431 (VCV001478431.10), dbSNP rs778170244, ClinGen allele CA5138581.